The following is an entry in ClinVar:

ClinVar aggregate classification (germline): Uncertain significance. Review status: criteria provided, multiple submitters, no conflicts (2 of 4 stars). 2 submissions from 2 submitters: Uncertain significance (2). Last evaluated 2025-08-21.

Conditions:
Primary dilated cardiomyopathy (DCM). Also called: Dilated Cardiomyopathy. Identifiers: Orphanet 217604, MedGen C0007193, MeSH D002311, MONDO:0005021, HP:0001644. Inheritance: Various modes of inheritance.
Cardiovascular phenotype. Identifiers: MedGen CN230736.

Allele frequency attached by ClinVar (database versions not stated): gnomAD exomes 0.00001.
gnomAD v4.1: 37 of 1,613,806 alleles (0.0023%); highest among the groups gnomAD compares: Non-Finnish European, 0.0031%; no homozygotes.

Submissions (2):

Ambry Genetics
Classification: Uncertain significance for Cardiovascular phenotype. Last evaluated: 2025-08-21. Review status: criteria provided, single submitter. Criteria: Ambry Variant Classification Scheme 2023. Collection method: clinical testing. Allele origin: germline.

Labcorp Genetics (formerly Invitae), Labcorp
Classification: Uncertain significance for Primary dilated cardiomyopathy. Last evaluated: 2025-04-23. Review status: criteria provided, single submitter. Criteria: Invitae Variant Classification Sherloc (09022015). Collection method: clinical testing. Allele origin: germline.
Comment: This sequence change replaces histidine, which is basic and polar, with aspartic acid, which is acidic and polar, at codon 197 of the TXNRD2 protein (p.His197Asp). This variant is present in population databases (rs762695606, gnomAD 0.003%). This variant has not been reported in the literature in individuals affected with TXNRD2-related conditions. ClinVar contains an entry for this variant (Variation ID: 454285). An algorithm developed to predict the effect of missense changes on protein structure and function (PolyPhen-2) suggests that this variant is likely to be tolerated. In summary, the available evidence is currently insufficient to determine the role of this variant in disease. Therefore, it has been classified as a Variant of Uncertain Significance.

NM_006440.5(TXNRD2):c.589C>G (p.His197Asp)

Gene: TXNRD2 (thioredoxin reductase 2; minus strand). Cytogenetic location: 22q11.21.
Variant type: single nucleotide variant.
Coding change: c.589C>G on transcript NM_006440.5 (MANE Select); coding-DNA position 589, C replaced by G.
Protein change: p.His197Asp; replaces histidine 197 with aspartic acid.
Molecular consequence: missense variant. On other transcripts: non-coding transcript variant (1).
Genome position (GRCh38, 1-based): chr22:19,915,216, G>C on the plus strand (C>G on the coding strand, the complement: TXNRD2 is on the minus strand). VCF-style: chr22-19915216-G-C. GRCh37 (hg19) VCF-style: chr22-19902739-G-C.
Other names: c.589C>G, p.His197Asp (NM_001282512.3); c.586C>G, p.His196Asp (NM_001352300.2); c.499C>G, p.His167Asp (NM_001352301.2); c.301C>G, p.His101Asp (NM_001352302.2); c.493C>G, p.His165Asp (NM_001352303.2); c.589C>G (NM_006440.3); short protein forms H197D, H167D, H165D, H101D, H196D.
Identifiers: ClinVar variation 454285 (VCV000454285.8), dbSNP rs762695606, ClinGen allele CA322105159.